The following is an entry in ClinVar:

ClinVar aggregate classification (germline): Likely benign. Review status: criteria provided, multiple submitters, no conflicts (2 of 4 stars). 2 submissions from 2 submitters: Likely benign (2). Last evaluated 2024-11-21.

Conditions:
Primary dilated cardiomyopathy (DCM). Also called: Dilated Cardiomyopathy. Identifiers: Orphanet 217604, MedGen C0007193, MeSH D002311, MONDO:0005021, HP:0001644. Inheritance: Various modes of inheritance.
Charcot-Marie-Tooth disease type 2. Also called: Charcot-Marie-Tooth type 2. Identifiers: Orphanet 64746, MedGen C0270914, MONDO:0018993.

gnomAD v4.1: 1 of 1,612,606 alleles (0.000062%); highest among the groups gnomAD compares: Admixed American, 0.0017%; no homozygotes.

Submissions (2):

Labcorp Genetics (formerly Invitae), Labcorp
Classification: Likely benign for Charcot-Marie-Tooth disease type 2. Last evaluated: 2024-11-21. Review status: criteria provided, single submitter. Criteria: Invitae Variant Classification Sherloc (09022015). Collection method: clinical testing. Allele origin: germline.

All of Us Research Program, National Institutes of Health
Classification: Likely benign for Primary dilated cardiomyopathy. Last evaluated: 2024-04-16. Review status: criteria provided, single submitter. Criteria: ACMG Guidelines, 2015. Collection method: clinical testing. Allele origin: germline. Inheritance: Autosomal dominant inheritance. Observed: 1 variant allele, 1 heterozygote.
Comment: This study involves interpretation of variants in research participants for the purpose of population health screening. Participant phenotype was not available at the time of variant classification. Additional details can be found in publication PMID: 35346344, PMCID: PMC8962531

NM_170707.4(LMNA):c.1158-7T>C

Gene: LMNA (lamin A/C; plus strand). Cytogenetic location: 1q22.
Variant type: single nucleotide variant.
Coding change: c.1158-7T>C on transcript NM_170707.4 (MANE Select); 7 bases into the intron before coding-DNA position 1158, T replaced by C.
Molecular consequence: intron variant.
Genome position (GRCh38, 1-based): chr1:156,136,207, T>C. VCF-style: chr1-156136207-T-C. GRCh37 (hg19) VCF-style: chr1-156105998-T-C.
Other names: c.1158-7T>C (NM_001406983.1, NM_001282625.2, NM_001406984.1 and 6 more transcripts); c.600-7T>C (NM_001407002.1, NM_001406993.1, NM_001407003.1 and 4 more transcripts); c.534-7T>C (NM_001406999.1, NM_001407000.1, NM_001406994.1 and 1 more transcripts); c.915-7T>C (NM_001406986.1, NM_001406987.1, NM_001282624.2); c.822-7T>C (NM_001406989.1, NM_001257374.3, NM_001406998.1); c.861-7T>C (NM_001406988.1).
Identifiers: ClinVar variation 3387010 (VCV003387010.3).